The following is an entry in ClinVar:

ClinVar aggregate classification (germline): Benign/Likely benign. Review status: criteria provided, multiple submitters, no conflicts (2 of 4 stars). 3 submissions from 3 submitters: Benign (1); Likely benign (2). Last evaluated 2025-03-26.

Conditions:
Hereditary cancer-predisposing syndrome. Also called: Neoplastic Syndromes, Hereditary; Tumor predisposition; Hereditary Cancer Syndrome; Hereditary neoplastic syndrome. Identifiers: Orphanet 140162, MedGen C0027672, MeSH D009386, MONDO:0015356.
Peutz-Jeghers syndrome (PJS). Also called: Peutz-Jeghers polyposis; Periorificial lentiginosis syndrome; POLYPOSIS, HAMARTOMATOUS INTESTINAL; POLYPS-AND-SPOTS SYNDROME. Identifiers: Orphanet 2869, MedGen C0031269, MeSH D010580, MONDO:0008280, OMIM 175200.

Submissions (3):

Myriad Genetics, Inc.
Classification: Benign for Peutz-Jeghers syndrome. Last evaluated: 2025-03-26. Review status: criteria provided, single submitter. Criteria: Myriad Autosomal Dominant, Autosomal Recessive and X-Linked Classification Criteria (2023). Collection method: clinical testing. Allele origin: unknown.
Comment: This variant is considered benign. This variant is a silent/synonymous amino acid change and it is not expected to impact splicing.

Ambry Genetics
Classification: Likely benign for Hereditary cancer-predisposing syndrome. Last evaluated: 2021-09-01. Review status: criteria provided, single submitter. Criteria: Ambry Variant Classification Scheme 2023. Collection method: clinical testing. Allele origin: germline.

Labcorp Genetics (formerly Invitae), Labcorp
Classification: Likely benign for Peutz-Jeghers syndrome. Last evaluated: 2020-08-05. Review status: criteria provided, single submitter. Criteria: Invitae Variant Classification Sherloc (09022015). Collection method: clinical testing. Allele origin: germline.

NM_000455.5(STK11):c.570C>G (p.Leu190=)

Gene: STK11 (serine/threonine kinase 11; plus strand). Cytogenetic location: 19p13.3.
Variant type: single nucleotide variant.
Coding change: c.570C>G on transcript NM_000455.5 (MANE Select); coding-DNA position 570, C replaced by G.
Protein change: p.Leu190=; no amino-acid change (leucine 190 retained).
Molecular consequence: synonymous variant.
Genome position (GRCh38, 1-based): chr19:1,220,478, C>G. VCF-style: chr19-1220478-C-G. GRCh37 (hg19) VCF-style: chr19-1220477-C-G.
Identifiers: ClinVar variation 1122230 (VCV001122230.12), dbSNP rs937650956, ClinGen allele CA504892342.